The following is an entry in ClinVar:

NM_000038.6(APC):c.2340T>C (p.Ser780=)

Gene: APC (APC regulator of Wnt signaling pathway; plus strand). Cytogenetic location: 5q22.2.
Variant type: single nucleotide variant.
Coding change: c.2340T>C on transcript NM_000038.6 (MANE Select); coding-DNA position 2340, T replaced by C.
Protein change: p.Ser780=; no amino-acid change (serine 780 retained).
Molecular consequence: synonymous variant. On other transcripts: non-coding transcript variant (2).
Genome position (GRCh38, 1-based): chr5:112,837,934, T>C. VCF-style: chr5-112837934-T-C. GRCh37 (hg19) VCF-style: chr5-112173631-T-C.
Other names: c.2340T>C, p.Ser780= (NM_001127510.3, NM_001354895.2, NM_001407450.1); c.2286T>C, p.Ser762= (NM_001127511.3); c.2394T>C, p.Ser798= (NM_001354896.2, NM_001407447.1, NM_001407448.1 and 1 more transcripts); c.2370T>C, p.Ser790= (NM_001354897.2); c.2265T>C, p.Ser755= (NM_001354898.2); c.2256T>C, p.Ser752= (NM_001354899.2); c.2217T>C, p.Ser739= (NM_001354900.2); c.2163T>C, p.Ser721= (NM_001354901.2, NM_001407453.1); and 11 more.
Identifiers: ClinVar variation 3147996 (VCV003147996.1), dbSNP rs2533413466, ClinGen allele CA445963378.

ClinVar aggregate classification (germline): Benign (1 of 4 stars; one submission).

Conditions:
Familial adenomatous polyposis 1 (FAP1). Also called: POLYPOSIS, ADENOMATOUS INTESTINAL; FAMILIAL ADENOMATOUS POLYPOSIS 1, ATTENUATED. Identifiers: MedGen C2713442, MONDO:0021056, OMIM 175100. Disease mechanism: loss of function.

Submission:

Myriad Genetics, Inc.
Classification: Benign for Familial adenomatous polyposis 1. Last evaluated: 2024-03-12. Review status: criteria provided, single submitter. Criteria: Myriad Autosomal Dominant, Autosomal Recessive and X-Linked Classification Criteria (2023). Collection method: clinical testing. Allele origin: unknown.
Comment: This variant is considered benign. This variant is a silent/synonymous amino acid change and it is not expected to impact splicing.